The following is an entry in ClinVar:

ClinVar aggregate classification (germline): Conflicting classifications of pathogenicity. Review status: criteria provided, conflicting classifications (1 of 4 stars). 2 submissions from 2 submitters: Uncertain significance (1); Likely benign (1). Last evaluated 2025-04-23.

Conditions:
Kabuki syndrome. Also called: Kabuki make-up syndrome; NIIKAWA-KUROKI SYNDROME. Identifiers: Orphanet 2322, MedGen C0796004, MONDO:0016512.

Allele frequency attached by ClinVar (database versions not stated): gnomAD 0.00002; gnomAD exomes 0.00002; TOPMed 0.00002; ExAC 0.00005; ESP Exome Variant Server 0.00008.
gnomAD v4.1: 29 of 1,590,030 alleles (0.0018%); highest among the groups gnomAD compares: African/African-American, 0.0027%; no homozygotes.

Submissions (2):

Labcorp Genetics (formerly Invitae), Labcorp
Classification: Uncertain significance for Kabuki syndrome. Last evaluated: 2025-04-23. Review status: criteria provided, single submitter. Criteria: Invitae Variant Classification Sherloc (09022015). Collection method: clinical testing. Allele origin: germline.
Comment: This sequence change replaces arginine, which is basic and polar, with cysteine, which is neutral and slightly polar, at codon 1304 of the KMT2D protein (p.Arg1304Cys). The frequency data for this variant in the population databases is considered unreliable, as metrics indicate poor data quality at this position in the gnomAD database. This variant has not been reported in the literature in individuals affected with KMT2D-related conditions. ClinVar contains an entry for this variant (Variation ID: 1405079). Invitae Evidence Modeling of protein sequence and biophysical properties (such as structural, functional, and spatial information, amino acid conservation, physicochemical variation, residue mobility, and thermodynamic stability) indicates that this missense variant is expected to disrupt KMT2D protein function with a positive predictive value of 95%. In summary, the available evidence is currently insufficient to determine the role of this variant in disease. Therefore, it has been classified as a Variant of Uncertain Significance.

GeneDx
Classification: Likely benign. Last evaluated: 2025-02-05. Review status: criteria provided, single submitter. Criteria: GeneDx Variant Classification Process June 2021. Collection method: clinical testing. Allele origin: germline. Affected: yes.
Comment: See Variant Classification Assertion Criteria.

NM_003482.4(KMT2D):c.3910C>T (p.Arg1304Cys)

Genes: KMT2D (lysine methyltransferase 2D; minus strand), LOC126861520 (CDK7 strongly-dependent group 2 enhancer GRCh37_chr12:49442744-49443943; plus strand). Cytogenetic location: 12q13.12.
Variant type: single nucleotide variant.
Coding change: c.3910C>T on transcript NM_003482.4 (MANE Select); coding-DNA position 3910, C replaced by T.
Protein change: p.Arg1304Cys; replaces arginine 1304 with cysteine.
Molecular consequence: missense variant.
Genome position (GRCh38, 1-based): chr12:49,049,215, G>A on the plus strand (C>T on the coding strand, the complement: KMT2D is on the minus strand). VCF-style: chr12-49049215-G-A. GRCh37 (hg19) VCF-style: chr12-49442998-G-A.
Other names: c.3910C>T (NM_003482.3); short protein forms R1304C.
Identifiers: ClinVar variation 1405079 (VCV001405079.9), dbSNP rs375144626, ClinGen allele CA6547947.